The following is an entry in ClinVar:

NM_152564.5(VPS13B):c.11481dup (p.Val3828fs)

Gene: VPS13B (vacuolar protein sorting 13 homolog B; plus strand). Cytogenetic location: 8q22.2.
Variant type: Duplication.
Coding change: c.11481dup on transcript NM_152564.5 (MANE Select); coding-DNA position 11481, one base duplicated (T; older notation c.11481dupT).
Protein change: p.Val3828fs; shifts the reading frame from valine 3828.
Molecular consequence: frameshift variant.
Genome position (GRCh38, 1-based): chr8:99,870,873, T duplicated. VCF-style (leftmost placement, unchanged base first): chr8-99870872-A-AT. GRCh37 (hg19) VCF-style: chr8-100883100-A-AT.
Other names: c.11556dup, p.Val3853fs (NM_017890.5); c.11556dupT (NM_017890.4); short protein forms V3828fs, V3853fs.
Identifiers: ClinVar variation 56637 (VCV000056637.2), dbSNP rs386834063, ClinGen allele CA264014.

ClinVar aggregate classification (germline): Likely pathogenic (0 of 4 stars; one submission).

Conditions:
Cohen syndrome (COH1). Also called: PEPPER SYNDROME; Cutis verticis gyrata, retinitis pigmentosa, and sensorineural deafness. Identifiers: Orphanet 193, MedGen C0265223, MONDO:0008999, OMIM 216550.

Submission:

Juha Muilu Group; Institute for Molecular Medicine Finland (FIMM)
Classification: Likely pathogenic for Cohen syndrome. Review status: no assertion criteria provided. Collection method: not provided. Allele origin: unknown.
Comment: FinDis database variant: This variant was not found or characterized by our laboratory, data were collected from public sources: see reference
ClinVar note: Converted during submission from probable-pathogenic to Likely pathogenic.